The following is an entry in ClinVar:

ClinVar aggregate classification (germline): Pathogenic. Review status: criteria provided, multiple submitters, no conflicts (2 of 4 stars). 2 submissions from 2 submitters: Pathogenic (2). Last evaluated 2026-01-13.

Conditions:
Hereditary diffuse gastric adenocarcinoma (HDGC). Also called: DIFFUSE GASTRIC AND LOBULAR BREAST CANCER SYNDROME. Identifiers: Orphanet 26106, MedGen C1708349, MONDO:0007648, OMIM 137215.

Submissions (2):

Myriad Genetics, Inc.
Classification: Pathogenic for Hereditary diffuse gastric adenocarcinoma. Last evaluated: 2026-01-13. Review status: criteria provided, single submitter. Criteria: Myriad Autosomal Dominant, Autosomal Recessive and X-Linked Classification Criteria (2023). Collection method: clinical testing. Allele origin: unknown.
Comment: This variant is considered pathogenic. This variant creates a frameshift predicted to result in premature protein truncation.

Labcorp Genetics (formerly Invitae), Labcorp
Classification: Pathogenic. Last evaluated: 2023-06-13. Review status: criteria provided, single submitter. Criteria: Invitae Variant Classification Sherloc (09022015). Collection method: clinical testing. Allele origin: germline.
Comment: This sequence change creates a premature translational stop signal (p.Gln247Alafs*38) in the CTNNA1 gene. It is expected to result in an absent or disrupted protein product. Loss-of-function variants in CTNNA1 are known to be pathogenic (PMID: 32051609, 34425242). This variant is not present in population databases (gnomAD no frequency). This variant has not been reported in the literature in individuals affected with CTNNA1-related conditions. ClinVar contains an entry for this variant (Variation ID: 1035877). For these reasons, this variant has been classified as Pathogenic.

Literature cited by the submitters: PubMed 32051609 (cited by Labcorp Genetics (formerly Invitae), Labcorp); PubMed 34425242 (cited by Labcorp Genetics (formerly Invitae), Labcorp).

NM_001903.5(CTNNA1):c.737dup (p.Gln247fs)

Gene: CTNNA1 (catenin alpha 1; plus strand). Cytogenetic location: 5q31.2.
Variant type: Duplication.
Coding change: c.737dup on transcript NM_001903.5 (MANE Select); coding-DNA position 737, one base duplicated (A; older notation c.737dupA).
Protein change: p.Gln247fs; shifts the reading frame from glutamine 247.
Molecular consequence: frameshift variant.
Genome position (GRCh38, 1-based): chr5:138,824,678, A duplicated; the last of 2 consecutive A bases (chr5:138,824,677-138,824,678); duplicating either gives the same sequence. VCF-style (leftmost placement, unchanged base first): chr5-138824676-C-CA. GRCh37 (hg19) VCF-style: chr5-138160365-C-CA.
Other names: c.737dup, p.Gln247fs (NM_001290307.3, NM_001323982.2, NM_001323983.1 and 3 more transcripts); c.428dup, p.Gln144fs (NM_001290309.3); c.368dup, p.Gln124fs (NM_001290310.3); short protein forms Q124fs, Q247fs, Q144fs.
Identifiers: ClinVar variation 1035877 (VCV001035877.7), dbSNP rs1760460898, ClinGen allele CA1586035495.
Genomic context (GRCh38, chr5:138,824,676, plus strand): 5'-CCAGGCATGCCTACAGCACCCTGATGTCGCAGCCTATAAGGCCAACAGGGACCTGATATA[C>CA]AAGCAGCTGCAGCAGGCGGTCACAGGCATTTCCAATGCAGCCCAGGCCACTGCCTCAGAC-3'